The following is an entry in ClinVar:

ClinVar aggregate classification (germline): Likely benign. Review status: criteria provided, multiple submitters, no conflicts (2 of 4 stars). 5 submissions from 5 submitters: Likely benign (3). 2 of the submissions do not count toward it. Last evaluated 2026-01-26.

Allele frequency attached by ClinVar (database versions not stated): ESP Exome Variant Server 0.00008; gnomAD 0.00028 and 0.00035; gnomAD exomes 0.00041; TOPMed 0.00045; ExAC 0.00048; 1000 Genomes Project 0.00060; 1000 Genomes Project 30x 0.00062.
gnomAD v4.1: 508 of 1,614,108 alleles (0.031%); highest among the groups gnomAD compares: Middle Eastern, 0.36%; 1 homozygote.

Submissions (5):

Labcorp Genetics (formerly Invitae), Labcorp
Classification: Likely benign. Last evaluated: 2026-01-26. Review status: criteria provided, single submitter. Criteria: Invitae Variant Classification Sherloc (09022015). Collection method: clinical testing. Allele origin: germline.

CeGaT Center for Human Genetics Tuebingen
Classification: Likely benign. Last evaluated: 2025-01-01. Review status: criteria provided, single submitter. Criteria: CeGaT Center For Human Genetics Tuebingen Variant Classification Criteria Version 2. Collection method: clinical testing. Allele origin: germline. Affected: yes. Observed: 3 variant alleles.
Comment: MYO5A: BP4, BP7

Blueprint Genetics
Classification: Likely benign. Last evaluated: 2024-11-21. Review status: criteria provided, single submitter. Criteria: ACMG Guidelines, 2015. Collection method: clinical testing. Allele origin: germline.

Clinical Genetics DNA and cytogenetics Diagnostics Lab, Erasmus MC, Erasmus Medical Center
Classification: Likely benign. Review status: no assertion criteria provided. Collection method: clinical testing. Allele origin: germline. Affected: yes. Study: VKGL Data-share Consensus. Not counted in ClinVar's aggregate classification.

Clinical Genetics, Academic Medical Center
Classification: Likely benign. Review status: no assertion criteria provided. Collection method: clinical testing. Allele origin: germline. Affected: yes. Study: VKGL Data-share Consensus. Not counted in ClinVar's aggregate classification.

NM_001382347.1(MYO5A):c.2082G>A (p.Ala694=)

Gene: MYO5A (myosin VA; minus strand). Cytogenetic location: 15q21.2.
Variant type: single nucleotide variant.
Coding change: c.2082G>A on transcript NM_001382347.1 (MANE Select); coding-DNA position 2082, G replaced by A.
Protein change: p.Ala694=; no amino-acid change (alanine 694 retained).
Molecular consequence: synonymous variant.
Genome position (GRCh38, 1-based): chr15:52,379,839, C>T on the plus strand (G>A on the coding strand, the complement: MYO5A is on the minus strand). VCF-style: chr15-52379839-C-T. GRCh37 (hg19) VCF-style: chr15-52672036-C-T.
Other names: c.2082G>A, p.Ala694= (NM_000259.3, NM_001142495.2); c.2154G>A, p.Ala718= (NM_001382348.1, NM_001382349.1).
Identifiers: ClinVar variation 735654 (VCV000735654.43), dbSNP rs193027836, ClinGen allele CA7568802.
Genomic context (GRCh38, chr15:52,379,839, plus strand): 5'-TCTCCCATTAGGATCCCTTACATCTGAAAAATGCCAGGCTCACCGTGAGGGGAAACCGGC[C>T]GCACTGATTCGGATGGTTTCCAGGACACCACATGCTCTCAGCTGCTGCACTGCCCTCTTC-3'
Protein context (NP_001369276.1, residues 684-704): CGVLETIRIS[Ala694=]AGFPSRWTYQ